The following is an entry in ClinVar:

NM_000187.4(HGD):c.237_240del (p.Gln80fs)

Gene: HGD (homogentisate 1,2-dioxygenase; minus strand). Cytogenetic location: 3q13.33.
Variant type: Deletion.
Coding change: c.237_240del on transcript NM_000187.4 (MANE Select); coding-DNA positions 237 to 240, 4 bases deleted (CCAA; older notation c.237_240delCCAA).
Protein change: p.Gln80fs; shifts the reading frame from glutamine 80.
Molecular consequence: frameshift variant.
Genome position (GRCh38, 1-based): chr3:120,670,469-120,670,472, TTGG deleted on the plus strand (CCAA on the coding strand, the reverse complement: HGD is on the minus strand). VCF-style (leftmost placement, unchanged base first): chr3-120670468-CTTGG-C. GRCh37 (hg19) VCF-style: chr3-120389315-CTTGG-C.
Other names: short protein forms Q80fs.
Identifiers: ClinVar variation 2069488 (VCV002069488.5), dbSNP rs2472785645, ClinGen allele CA2577865253.

ClinVar aggregate classification (germline): Pathogenic. Review status: criteria provided, multiple submitters, no conflicts (2 of 4 stars). 2 submissions from 2 submitters: Pathogenic (2). Last evaluated 2026-04-04.

Conditions:
Alkaptonuria (AKU). Also called: Alcaptonuria; Homogentisic acidura; Alkaptonuric ochronosis; HOMOGENTISIC ACID OXIDASE DEFICIENCY. Identifiers: Orphanet 56, MedGen C0002066, MONDO:0008753, OMIM 203500.

Submissions (2):

Myriad Genetics, Inc.
Classification: Pathogenic for Alkaptonuria. Last evaluated: 2026-04-04. Review status: criteria provided, single submitter. Criteria: Myriad Autosomal Dominant, Autosomal Recessive and X-Linked Classification Criteria (2023). Collection method: clinical testing. Allele origin: unknown.
Comment: NM_000187.3(HGD):c.237_240delCCAA(Q80Sfs*30) is expected to be pathogenic in the context of alkaptonuria. This variant is predicted to lead to an abnormal or absent protein product due to the creation of a premature termination codon in HGD, a gene where loss-of-function variants are known to be pathogenic. Please note: this variant was assessed in the context of healthy population screening.

Labcorp Genetics (formerly Invitae), Labcorp
Classification: Pathogenic for Alkaptonuria. Last evaluated: 2024-07-09. Review status: criteria provided, single submitter. Criteria: Invitae Variant Classification Sherloc (09022015). Collection method: clinical testing. Allele origin: germline.
Comment: This sequence change creates a premature translational stop signal (p.Gln80Serfs*30) in the HGD gene. It is expected to result in an absent or disrupted protein product. Loss-of-function variants in HGD are known to be pathogenic (PMID: 12501223, 19862842). This variant is not present in population databases (gnomAD no frequency). This variant has not been reported in the literature in individuals affected with HGD-related conditions. ClinVar contains an entry for this variant (Variation ID: 2069488). For these reasons, this variant has been classified as Pathogenic.

Literature cited by the submitters: PubMed 12501223 (cited by Labcorp Genetics (formerly Invitae), Labcorp); PubMed 19862842 (cited by Labcorp Genetics (formerly Invitae), Labcorp).